The following is an entry in ClinVar:

NM_004958.4(MTOR):c.3567A>C (p.Gln1189His)

Gene: MTOR (mechanistic target of rapamycin kinase; minus strand). Cytogenetic location: 1p36.22.
Variant type: single nucleotide variant.
Coding change: c.3567A>C on transcript NM_004958.4 (MANE Select); coding-DNA position 3567, A replaced by C.
Protein change: p.Gln1189His; replaces glutamine 1189 with histidine.
Molecular consequence: missense variant.
Genome position (GRCh38, 1-based): chr1:11,210,901, T>G on the plus strand (A>C on the coding strand, the complement: MTOR is on the minus strand). VCF-style: chr1-11210901-T-G. GRCh37 (hg19) VCF-style: chr1-11270958-T-G.
Other names: c.3567A>C, p.Gln1189His (NM_001386500.1); c.2319A>C, p.Gln773His (NM_001386501.1); short protein forms Q1189H, Q773H.
Identifiers: ClinVar variation 2716113 (VCV002716113.3), dbSNP rs754854630, ClinGen allele CA590184.

ClinVar aggregate classification (germline): Uncertain significance (1 of 4 stars; one submission).

Allele frequency attached by ClinVar (database versions not stated): TOPMed 0.00001.
gnomAD v4.1: 2 of 1,611,280 alleles (0.00012%); highest among the groups gnomAD compares: Admixed American, 0.0033%; no homozygotes.

Submission:

Labcorp Genetics (formerly Invitae), Labcorp
Classification: Uncertain significance. Last evaluated: 2023-11-23. Review status: criteria provided, single submitter. Criteria: Invitae Variant Classification Sherloc (09022015). Collection method: clinical testing. Allele origin: germline.
Comment: This sequence change replaces glutamine, which is neutral and polar, with histidine, which is basic and polar, at codon 1189 of the MTOR protein (p.Gln1189His). This variant is present in population databases (rs754854630, gnomAD 0.006%). This variant has not been reported in the literature in individuals affected with MTOR-related conditions. Advanced modeling of protein sequence and biophysical properties (such as structural, functional, and spatial information, amino acid conservation, physicochemical variation, residue mobility, and thermodynamic stability) performed at Invitae indicates that this missense variant is not expected to disrupt MTOR protein function with a negative predictive value of 95%. In summary, the available evidence is currently insufficient to determine the role of this variant in disease. Therefore, it has been classified as a Variant of Uncertain Significance.